The following is an entry in ClinVar:

ClinVar aggregate classification (germline): Pathogenic (1 of 4 stars; one submission).

Conditions:
Pyruvate dehydrogenase E3 deficiency (DLDD). Also called: Dihydrolipoamide Dehydrogenase (E3) Deficiency; Dihydrolipoamide Dehydrogenase Deficiency; MAPLE SYRUP URINE DISEASE, TYPE III; Lipoamide dehydrogenase deficiency, lactic acidosis due to; Lipoamide dehydrogenase deficiency; Dihydrolipoamide Dehydrogenase E3 Deficiency. Identifiers: Orphanet 2394, Orphanet 765, MedGen C5574660, MONDO:0009529, OMIM 246900.

Submission:

Labcorp Genetics (formerly Invitae), Labcorp
Classification: Pathogenic for Pyruvate dehydrogenase E3 deficiency. Last evaluated: 2023-08-21. Review status: criteria provided, single submitter. Criteria: Invitae Variant Classification Sherloc (09022015). Collection method: clinical testing. Allele origin: germline.
Comment: This variant has not been reported in the literature in individuals affected with DLD-related conditions. This variant is not present in population databases (gnomAD no frequency). This sequence change creates a premature translational stop signal (p.Tyr8*) in the DLD gene. It is expected to result in an absent or disrupted protein product. Loss-of-function variants in DLD are known to be pathogenic (PMID: 8968745, 9934985). ClinVar contains an entry for this variant (Variation ID: 1392784). For these reasons, this variant has been classified as Pathogenic.

Literature cited by the submitters: PubMed 8968745; PubMed 9934985.

NM_000108.5(DLD):c.24C>G (p.Tyr8Ter)

Gene: DLD (dihydrolipoamide dehydrogenase; plus strand). Cytogenetic location: 7q31.1.
Variant type: single nucleotide variant.
Coding change: c.24C>G on transcript NM_000108.5 (MANE Select); coding-DNA position 24, C replaced by G.
Protein change: p.Tyr8Ter; replaces tyrosine 8 with a stop codon.
Molecular consequence: nonsense. On other transcripts: 5 prime UTR variant (1).
Genome position (GRCh38, 1-based): chr7:107,891,274, C>G. VCF-style: chr7-107891274-C-G. GRCh37 (hg19) VCF-style: chr7-107531719-C-G.
Other names: c.-125C>G (NM_001289750.1); c.24C>G, p.Tyr8Ter (NM_001289751.1, NM_001289752.1); short protein forms Y8*.
Identifiers: ClinVar variation 1392784 (VCV001392784.6), dbSNP rs778122189, ClinGen allele CA368852343.
Genomic context (GRCh38, chr7:107,891,274, plus strand): 5'-GTGAAAGTATTGGCGGAAAGGAAAATACAGCGGAAAAATGCAGAGCTGGAGTCGTGTGTA[C>G]TGCTCCTTGGCCAAGGTGAGGGCCGAGTAGGTGAGGTCGTGTTGAGCCAGAGGCACGGAA-3'